The following is an entry in ClinVar:

NM_000038.6(APC):c.3437G>T (p.Arg1146Leu)

Gene: APC (APC regulator of Wnt signaling pathway; plus strand). Cytogenetic location: 5q22.2.
Variant type: single nucleotide variant.
Coding change: c.3437G>T on transcript NM_000038.6 (MANE Select); coding-DNA position 3437, G replaced by T.
Protein change: p.Arg1146Leu; replaces arginine 1146 with leucine.
Molecular consequence: missense variant.
Genome position (GRCh38, 1-based): chr5:112,839,031, G>T. VCF-style: chr5-112839031-G-T. GRCh37 (hg19) VCF-style: chr5-112174728-G-T.
Other names: c.3437G>T, p.Arg1146Leu (NM_001127510.3, NM_001354895.2); c.3383G>T, p.Arg1128Leu (NM_001127511.3); c.3491G>T, p.Arg1164Leu (NM_001354896.2); c.3467G>T, p.Arg1156Leu (NM_001354897.2); c.3362G>T, p.Arg1121Leu (NM_001354898.2); c.3353G>T, p.Arg1118Leu (NM_001354899.2); c.3314G>T, p.Arg1105Leu (NM_001354900.2); c.3260G>T, p.Arg1087Leu (NM_001354901.2); and 5 more; short protein forms R1020L, R1045L, R1055L, R1087L, R1105L, R1118L, R1121L, R1128L.
Identifiers: ClinVar variation 1010755 (VCV001010755.12), dbSNP rs763486328, ClinGen allele CA16028869.

ClinVar aggregate classification (germline): Uncertain significance. Review status: criteria provided, multiple submitters, no conflicts (2 of 4 stars). 2 submissions from 2 submitters: Uncertain significance (2). Last evaluated 2025-03-11.

Conditions:
Familial adenomatous polyposis 1 (FAP1). Also called: FAMILIAL ADENOMATOUS POLYPOSIS 1, ATTENUATED; POLYPOSIS, ADENOMATOUS INTESTINAL. Identifiers: MedGen C2713442, MONDO:0021056, OMIM 175100. Disease mechanism: loss of function.
Hereditary cancer-predisposing syndrome. Also called: Tumor predisposition; Hereditary neoplastic syndrome; Neoplastic Syndromes, Hereditary; Hereditary Cancer Syndrome. Identifiers: Orphanet 140162, MedGen C0027672, MeSH D009386, MONDO:0015356.

gnomAD v4.1: 1 of 1,614,014 alleles (0.000062%); no homozygotes.

Submissions (2):

Labcorp Genetics (formerly Invitae), Labcorp
Classification: Uncertain significance for Familial adenomatous polyposis 1. Last evaluated: 2025-03-11. Review status: criteria provided, single submitter. Criteria: Invitae Variant Classification Sherloc (09022015). Collection method: clinical testing. Allele origin: germline.
Comment: This sequence change replaces arginine, which is basic and polar, with leucine, which is neutral and non-polar, at codon 1146 of the APC protein (p.Arg1146Leu). This variant is not present in population databases (gnomAD no frequency). This variant has not been reported in the literature in individuals affected with APC-related conditions. ClinVar contains an entry for this variant (Variation ID: 1010755). Invitae Evidence Modeling of protein sequence and biophysical properties (such as structural, functional, and spatial information, amino acid conservation, physicochemical variation, residue mobility, and thermodynamic stability) indicates that this missense variant is not expected to disrupt APC protein function with a negative predictive value of 95%. In summary, the available evidence is currently insufficient to determine the role of this variant in disease. Therefore, it has been classified as a Variant of Uncertain Significance.

Ambry Genetics
Classification: Uncertain significance for Hereditary cancer-predisposing syndrome. Last evaluated: 2023-05-01. Review status: criteria provided, single submitter. Criteria: Ambry Variant Classification Scheme 2023. Collection method: clinical testing. Allele origin: germline.
Comment: The p.R1146L variant (also known as c.3437G>T), located in coding exon 15 of the APC gene, results from a G to T substitution at nucleotide position 3437. The arginine at codon 1146 is replaced by leucine, an amino acid with dissimilar properties. This amino acid position is highly conserved in available vertebrate species. In addition, in silico predictors for this gene do not accurately predict pathogenicity. Since supporting evidence is limited at this time, the clinical significance of this alteration remains unclear.